The following is an entry in ClinVar:

NM_201384.3(PLEC):c.11599G>C (p.Asp3867His)

Gene: PLEC (plectin; minus strand). Cytogenetic location: 8q24.3.
Variant type: single nucleotide variant.
Coding change: c.11599G>C on transcript NM_201384.3 (MANE Select); coding-DNA position 11599, G replaced by C.
Protein change: p.Asp3867His; replaces aspartic acid 3867 with histidine.
Molecular consequence: missense variant.
Genome position (GRCh38, 1-based): chr8:143,918,222, C>G on the plus strand (G>C on the coding strand, the complement: PLEC is on the minus strand). VCF-style: chr8-143918222-C-G. GRCh37 (hg19) VCF-style: chr8-144992390-C-G.
Other names: p.Asp3853His; c.11680G>C, p.Asp3894His (NM_000445.5); c.11557G>C, p.Asp3853His (NM_201378.4); c.11533G>C, p.Asp3845His (NM_201379.3); c.12010G>C, p.Asp4004His (NM_201380.4); c.11503G>C, p.Asp3835His (NM_201381.3); c.11599G>C, p.Asp3867His (NM_201382.4); c.11611G>C, p.Asp3871His (NM_201383.3); short protein forms D3835H, D3845H, D3853H, D3867H, D3871H, D3894H, D4004H.
Identifiers: ClinVar variation 129926 (VCV000129926.21), dbSNP rs62642465, ClinGen allele CA154371.

ClinVar aggregate classification (germline): Benign. Review status: criteria provided, multiple submitters, no conflicts (2 of 4 stars). 6 submissions from 6 submitters: Benign (5). 1 of the submissions does not count toward it. Last evaluated 2026-02-03.

Conditions:
Epidermolysis bullosa simplex 5C, with pyloric atresia (EBS5C). Also called: PLEC-Related Epidermolysis Bullosa with Pyloric Atresia; Epidermolysis bullosa simplex with pyloric atresia; PLEC1-Related Epidermolysis Bullosa with Pyloric Atresia. Identifiers: Orphanet 158684, MedGen C2677349, MONDO:0012807, OMIM 612138.
Autosomal recessive limb-girdle muscular dystrophy type 2Q (LGMDR17). Also called: MUSCULAR DYSTROPHY, LIMB-GIRDLE, AUTOSOMAL RECESSIVE 17. Identifiers: Orphanet 254361, MedGen C3150989, MONDO:0013390, OMIM 613723.
Epidermolysis bullosa simplex with nail dystrophy (EBS5D). Identifiers: MedGen C4225309, MONDO:0014661, OMIM 616487.
Epidermolysis bullosa simplex 5B, with muscular dystrophy (EBS5B). Also called: Epidermolysis bullosa simplex with muscular dystrophy; EPIDERMOLYSIS BULLOSA SIMPLEX AND LIMB-GIRDLE MUSCULAR DYSTROPHY. Identifiers: Orphanet 257, MedGen C2931072, MONDO:0009181, OMIM 226670.
Epidermolysis bullosa simplex, Ogna type (EBS5A). Also called: Pidermolysis bullosa simplex 5A, Ogna type; EPIDERMOLYSIS BULLOSA SIMPLEX 5A, OGNA TYPE. Identifiers: Orphanet 79401, MedGen C0432317, MONDO:0007555, OMIM 131950.

Allele frequency attached by ClinVar (database versions not stated): gnomAD exomes 0.00337 and 0.00849; ExAC 0.01078; gnomAD 0.03460 and 0.03714; ESP Exome Variant Server 0.03479; 1000 Genomes Project 0.03774; TOPMed 0.03876.
gnomAD v4.1: 10,202 of 1,575,940 alleles (0.65%); highest among the groups gnomAD compares: African/African-American, 12%; 595 homozygotes.

Submissions (6):

Labcorp Genetics (formerly Invitae), Labcorp
Classification: Benign for Autosomal recessive limb-girdle muscular dystrophy type 2Q; Epidermolysis bullosa simplex, Ogna type; Epidermolysis bullosa simplex with nail dystrophy; Epidermolysis bullosa simplex 5C, with pyloric atresia; Epidermolysis bullosa simplex 5B, with muscular dystrophy. Last evaluated: 2026-02-03. Review status: criteria provided, single submitter. Criteria: Invitae Variant Classification Sherloc (09022015). Collection method: clinical testing. Allele origin: germline.

Mayo Clinic Laboratories, Mayo Clinic
Classification: Benign. Last evaluated: 2018-02-19. Review status: criteria provided, single submitter. Criteria: ACMG Guidelines, 2015. Collection method: clinical testing. Allele origin: germline. Observed: 43 variant alleles.

GeneDx
Classification: Benign. Last evaluated: 2016-03-24. Review status: criteria provided, single submitter. Criteria: GeneDx Variant Classification (06012015). Collection method: clinical testing. Allele origin: germline. Affected: yes.
Comment: This variant is considered likely benign or benign based on one or more of the following criteria: it is a conservative change, it occurs at a poorly conserved position in the protein, it is predicted to be benign by multiple in silico algorithms, and/or has population frequency not consistent with disease.

Eurofins Ntd Llc (ga)
Classification: Benign. Last evaluated: 2015-05-14. Review status: criteria provided, single submitter. Criteria: EGL Classification Definitions 2015. Collection method: clinical testing. Allele origin: germline. Observed: 2 variant alleles, 2 heterozygotes.

Breakthrough Genomics
Classification: Benign. Review status: criteria provided, single submitter. Criteria: ACMG Guidelines, 2015. Collection method: not provided. Allele origin: germline. Inheritance: Autosomal recessive inheritance. Affected: yes.

Genetic Services Laboratory, University of Chicago
Classification: Likely benign for AllHighlyPenetrant. Review status: no assertion criteria provided. Collection method: clinical testing. Allele origin: germline. Inheritance: Autosomal recessive inheritance. Not counted in ClinVar's aggregate classification.
Comment: Likely benign based on allele frequency in 1000 Genomes Project or ESP global frequency and its presence in a patient with a rare or unrelated disease phenotype. NOT Sanger confirmed.